The following is an entry in ClinVar:

ClinVar aggregate classification (germline): Pathogenic (1 of 4 stars; one submission).

Allele frequency attached by ClinVar (database versions not stated): gnomAD exomes below 0.00001.
gnomAD v4.1: 1 of 1,614,120 alleles (0.000062%); highest among the groups gnomAD compares: Non-Finnish European, 0.000085%; no homozygotes.

Submission:

Labcorp Genetics (formerly Invitae), Labcorp
Classification: Pathogenic. Last evaluated: 2023-12-20. Review status: criteria provided, single submitter. Criteria: Invitae Variant Classification Sherloc (09022015). Collection method: clinical testing. Allele origin: germline.
Comment: This sequence change creates a premature translational stop signal (p.Gln260*) in the TPO gene. It is expected to result in an absent or disrupted protein product. Loss-of-function variants in TPO are known to be pathogenic (PMID: 11061528, 23236987, 25564141). This variant is not present in population databases (gnomAD no frequency). This variant has not been reported in the literature in individuals affected with TPO-related conditions. For these reasons, this variant has been classified as Pathogenic.

Literature cited by the submitters: PubMed 11061528; PubMed 23236987; PubMed 25564141.

NM_001206744.2(TPO):c.778C>T (p.Gln260Ter)

Gene: TPO (thyroid peroxidase; plus strand). Cytogenetic location: 2p25.3.
Variant type: single nucleotide variant.
Coding change: c.778C>T on transcript NM_001206744.2 (MANE Select); coding-DNA position 778, C replaced by T.
Protein change: p.Gln260Ter; replaces glutamine 260 with a stop codon.
Molecular consequence: nonsense.
Genome position (GRCh38, 1-based): chr2:1,456,241, C>T. VCF-style: chr2-1456241-C-T. GRCh37 (hg19) VCF-style: chr2-1460013-C-T.
Other names: c.778C>T, p.Gln260Ter (NM_000547.6, NM_001206745.2, NM_175719.4 and 2 more transcripts); short protein forms Q260*.
Identifiers: ClinVar variation 2989633 (VCV002989633.3), dbSNP rs2545989100, ClinGen allele CA345693241.